The following is an entry in ClinVar:

NM_022041.4(GAN):c.1612+12A>G

Gene: GAN (gigaxonin; plus strand). Cytogenetic location: 16q23.2.
Variant type: single nucleotide variant.
Coding change: c.1612+12A>G on transcript NM_022041.4 (MANE Select); 12 bases into the intron after coding-DNA position 1612, A replaced by G.
Molecular consequence: intron variant.
Genome position (GRCh38, 1-based): chr16:81,377,340, A>G. VCF-style: chr16-81377340-A-G. GRCh37 (hg19) VCF-style: chr16-81410945-A-G.
Other names: c.973+12A>G (NM_001377486.1).
Identifiers: ClinVar variation 320658 (VCV000320658.24), dbSNP rs150344737, ClinGen allele CA8191822.
Genomic context (GRCh38, chr16:81,377,340, plus strand): 5'-GCTGTACCTATAGGAGCCAGTATTTATGTTATTGGAGATCTTGATACAGGTAAGAGTGTT[A>G]CAGTGATTTTCTTGGAACTGTTTCCTGGTGATTCTGGGTACATTTTCTCACCCTTGCTTA-3'

ClinVar aggregate classification (germline): Conflicting classifications of pathogenicity. Review status: criteria provided, conflicting classifications (1 of 4 stars). 8 submissions from 8 submitters: Uncertain significance (1); Benign (1); Likely benign (3). 3 of the submissions do not count toward it. Last evaluated 2026-01-06.

Conditions:
GAN-related disorder. Also called: GAN-related condition.
Giant axonal neuropathy 1 (GAN1). Also called: GIANT AXONAL NEUROPATHY 1, AUTOSOMAL RECESSIVE; GAN-Related Neurodegeneration. Identifiers: Orphanet 643, MedGen C1850386, MONDO:0009749, OMIM 256850.

Allele frequency attached by ClinVar (database versions not stated): 1000 Genomes Project 30x 0.00047; 1000 Genomes Project 0.00060; TOPMed 0.00118; gnomAD 0.00131 and 0.00135; ESP Exome Variant Server 0.00138; gnomAD exomes 0.00186; ExAC 0.00212.
gnomAD v4.1: 2,942 of 1,580,700 alleles (0.19%); highest among the groups gnomAD compares: Non-Finnish European, 0.2%; 9 homozygotes.

Submissions (8):

Labcorp Genetics (formerly Invitae), Labcorp
Classification: Benign for Giant axonal neuropathy 1. Last evaluated: 2026-01-06. Review status: criteria provided, single submitter. Criteria: Invitae Variant Classification Sherloc (09022015). Collection method: clinical testing. Allele origin: germline.

Blueprint Genetics
Classification: Likely benign. Last evaluated: 2024-11-26. Review status: criteria provided, single submitter. Criteria: ACMG Guidelines, 2015. Collection method: clinical testing. Allele origin: germline.

ARUP Laboratories, Molecular Genetics and Genomics, ARUP Laboratories
Classification: Likely benign for Giant axonal neuropathy 1. Last evaluated: 2024-05-31. Review status: criteria provided, single submitter. Criteria: ARUP Molecular Germline Variant Investigation Process 2024. Collection method: clinical testing. Allele origin: germline.

Illumina Laboratory Services, Illumina
Classification: Uncertain significance for Giant axonal neuropathy 1. Last evaluated: 2018-01-13. Review status: criteria provided, single submitter. Criteria: ICSL Variant Classification Criteria 13 December 2019. Collection method: clinical testing. Allele origin: germline.

GeneDx
Classification: Likely benign. Last evaluated: 2017-04-14. Review status: criteria provided, single submitter. Criteria: GeneDx Variant Classification (06012015). Collection method: clinical testing. Allele origin: germline. Affected: yes.
Comment: This variant is considered likely benign or benign based on one or more of the following criteria: it is a conservative change, it occurs at a poorly conserved position in the protein, it is predicted to be benign by multiple in silico algorithms, and/or has population frequency not consistent with disease.

PreventionGenetics, part of Exact Sciences
Classification: Likely benign for GAN-related condition. Last evaluated: 2021-09-13. Review status: no assertion criteria provided. Collection method: clinical testing. Allele origin: germline. Not counted in ClinVar's aggregate classification.
Comment: This variant is classified as likely benign based on ACMG/AMP sequence variant interpretation guidelines (Richards et al. 2015 PMID: 25741868, with internal and published modifications).

Clinical Genetics, Academic Medical Center
Classification: Likely benign. Review status: no assertion criteria provided. Collection method: clinical testing. Allele origin: germline. Affected: yes. Study: VKGL Data-share Consensus. Not counted in ClinVar's aggregate classification.

Genome Diagnostics Laboratory, University Medical Center Utrecht
Classification: Likely benign. Review status: no assertion criteria provided. Collection method: clinical testing. Allele origin: germline. Affected: yes. Study: VKGL Data-share Consensus. Not counted in ClinVar's aggregate classification.